The following is an entry in ClinVar:

NM_130847.3(AMOTL1):c.279G>A (p.Ala93=)

Gene: AMOTL1 (angiomotin like 1; plus strand). Cytogenetic location: 11q21.
Variant type: single nucleotide variant.
Coding change: c.279G>A on transcript NM_130847.3 (MANE Select); coding-DNA position 279, G replaced by A.
Protein change: p.Ala93=; no amino-acid change (alanine 93 retained).
Molecular consequence: synonymous variant.
Genome position (GRCh38, 1-based): chr11:94,799,469, G>A. VCF-style: chr11-94799469-G-A. GRCh37 (hg19) VCF-style: chr11-94532635-G-A.
Other names: c.129G>A, p.Ala43= (NM_001301007.2).
Identifiers: ClinVar variation 4871972 (VCV004871972.2).
Genomic context (GRCh38, chr11:94,799,469, plus strand): 5'-CTTCCACTCCCCAAACTTCCTGAGGATCTCAGAGGTGGAAATGAGAGGTTCCGAGGATGC[G>A]GCAGCTGGAACAGTATTGCAGCGGCTGATCCAGGAACAACTGCGGTATGGCACCCCAACC-3'
Protein context (NP_570899.1, residues 83-103): SEVEMRGSED[Ala93=]AAGTVLQRLI

ClinVar aggregate classification (germline): Benign (1 of 4 stars; one submission).

gnomAD v4.1: 12,012 of 1,609,800 alleles (0.75%); highest among the groups gnomAD compares: Non-Finnish European, 0.94%; 62 homozygotes.

Submission:

CeGaT Center for Human Genetics Tuebingen
Classification: Benign. Last evaluated: 2026-09-01. Review status: criteria provided, single submitter. Criteria: CeGaT Center For Human Genetics Tuebingen Variant Classification Criteria Version 2. Collection method: clinical testing. Allele origin: germline. Affected: yes. Observed: 4 variant alleles.
Comment: AMOTL1: BP4, BP7, BS1, BS2